The following is an entry in ClinVar:

ClinVar aggregate classification (germline): Uncertain significance (1 of 4 stars; one submission).

Conditions:
Hereditary cancer-predisposing syndrome. Also called: Neoplastic Syndromes, Hereditary; Tumor predisposition; Hereditary Cancer Syndrome; Hereditary neoplastic syndrome. Identifiers: Orphanet 140162, MedGen C0027672, MeSH D009386, MONDO:0015356.

Submission:

Ambry Genetics
Classification: Uncertain significance for Hereditary cancer-predisposing syndrome. Last evaluated: 2025-09-10. Review status: criteria provided, single submitter. Criteria: Ambry Variant Classification Scheme 2023. Collection method: clinical testing. Allele origin: germline.
Comment: The p.F132S variant (also known as c.395T>C), located in coding exon 4 of the RB1 gene, results from a T to C substitution at nucleotide position 395. The phenylalanine at codon 132 is replaced by serine, an amino acid with highly dissimilar properties. This amino acid position is conserved. In addition, the in silico prediction for this alteration is inconclusive. Based on the available evidence, the clinical significance of this variant remains unclear.

NM_000321.3(RB1):c.395T>C (p.Phe132Ser)

Gene: RB1 (RB transcriptional corepressor 1; plus strand). Cytogenetic location: 13q14.2.
Variant type: single nucleotide variant.
Coding change: c.395T>C on transcript NM_000321.3 (MANE Select); coding-DNA position 395, T replaced by C.
Protein change: p.Phe132Ser; replaces phenylalanine 132 with serine.
Molecular consequence: missense variant.
Genome position (GRCh38, 1-based): chr13:48,345,094, T>C. VCF-style: chr13-48345094-T-C. GRCh37 (hg19) VCF-style: chr13-48919230-T-C.
Other names: c.395T>C, p.Phe132Ser (NM_001407165.1, NM_001407166.1); short protein forms F132S.
Identifiers: ClinVar variation 4151224 (VCV004151224.1).
Genomic context (GRCh38, chr13:48,345,094, plus strand): 5'-ATTTTTAAGGTTACTGATTTACTTTTTTCTATTCTTTCCTTTGTAGTGTCCATAAATTCT[T>C]TAACTTACTAAAAGAAATTGATACCAGTACCAAAGTTGATAATGCTATGTCAAGACTGTT-3'
Protein context (NP_000312.2, residues 122-142): KNIEISVHKF[Phe132Ser]NLLKEIDTST